The following is an entry in ClinVar:

NM_198576.4(AGRN):c.1157C>T (p.Ser386Phe)

Gene: AGRN (agrin; plus strand). Cytogenetic location: 1p36.33.
Variant type: single nucleotide variant.
Coding change: c.1157C>T on transcript NM_198576.4 (MANE Select); coding-DNA position 1157, C replaced by T.
Protein change: p.Ser386Phe; replaces serine 386 with phenylalanine.
Molecular consequence: missense variant.
Genome position (GRCh38, 1-based): chr1:1,041,682, C>T. VCF-style: chr1-1041682-C-T. GRCh37 (hg19) VCF-style: chr1-977062-C-T.
Other names: c.1157C>T, p.Ser386Phe (NM_001305275.2); c.842C>T, p.Ser281Phe (NM_001364727.2); short protein forms S281F, S386F.
Identifiers: ClinVar variation 1052350 (VCV001052350.9), dbSNP rs28450113, ClinGen allele CA337827385.

ClinVar aggregate classification (germline): Uncertain significance (1 of 4 stars; one submission).

Conditions:
Congenital myasthenic syndrome 8. Also called: MYASTHENIC SYNDROME, CONGENITAL, DUE TO AGRIN DEFICIENCY; Myasthenic syndrome, congenital, 8, with pre- and postsynaptic defects. Identifiers: Orphanet 590, MedGen C3808739, MONDO:0014052, OMIM 615120.

Submission:

Labcorp Genetics (formerly Invitae), Labcorp
Classification: Uncertain significance for Congenital myasthenic syndrome 8. Last evaluated: 2022-02-10. Review status: criteria provided, single submitter. Criteria: Invitae Variant Classification Sherloc (09022015). Collection method: clinical testing. Allele origin: germline.
Comment: This sequence change replaces serine, which is neutral and polar, with phenylalanine, which is neutral and non-polar, at codon 386 of the AGRN protein (p.Ser386Phe). This variant is not present in population databases (gnomAD no frequency). This variant has not been reported in the literature in individuals affected with AGRN-related conditions. ClinVar contains an entry for this variant (Variation ID: 1052350). Algorithms developed to predict the effect of missense changes on protein structure and function are either unavailable or do not agree on the potential impact of this missense change (SIFT: "Tolerated"; PolyPhen-2: "Possibly Damaging"; Align-GVGD: "Class C0"). In summary, the available evidence is currently insufficient to determine the role of this variant in disease. Therefore, it has been classified as a Variant of Uncertain Significance.